The following is an entry in ClinVar:

ClinVar aggregate classification (germline): Likely pathogenic (1 of 4 stars; one submission).

Conditions:
Enhanced S-cone syndrome (ESCS). Identifiers: Orphanet 53540, MedGen C1849394, MONDO:0100288, MONDO:0009989.

Submission:

Natera, Inc.
Classification: Likely pathogenic for Enhanced S cone syndrome. Last evaluated: 2024-11-27. Review status: criteria provided, single submitter. Criteria: Natera Variant Classification Schema (03/2026). Collection method: clinical testing. Allele origin: germline.
Comment: The c.192C>A variant in NR2E3 is a nonsense variant predicted to introduce a stop codon at amino acid 64. This variant is expected to result in nonsense mediated decay, truncation, or a dysfunctional protein product. This variant is rare in the general population with a frequency below the threshold expected for the associated phenotype(s). Given the available evidence, this variant is classified as Likely Pathogenic.

NM_014249.4(NR2E3):c.192C>A (p.Cys64Ter)

Gene: NR2E3 (nuclear receptor subfamily 2 group E member 3; plus strand). Cytogenetic location: 15q23.
Variant type: single nucleotide variant.
Coding change: c.192C>A on transcript NM_014249.4 (MANE Select); coding-DNA position 192, C replaced by A.
Protein change: p.Cys64Ter; replaces cysteine 64 with a stop codon.
Molecular consequence: nonsense.
Genome position (GRCh38, 1-based): chr15:71,811,556, C>A. VCF-style: chr15-71811556-C-A. GRCh37 (hg19) VCF-style: chr15-72103896-C-A.
Other names: c.192C>A, p.Cys64Ter (NM_016346.4); short protein forms C64*.
Identifiers: ClinVar variation 4815619 (VCV004815619.1).